The following is an entry in ClinVar:

ClinVar aggregate classification (germline): Pathogenic (1 of 4 stars; one submission).

Conditions:
Eichsfeld type congenital muscular dystrophy (CMYO3). Also called: Rigid spine muscular dystrophy 1; MYOPATHY, SEPN1-RELATED; SELENON-related myopathy; Congenital myopathy 3 with rigid spine. Identifiers: MedGen C0410180, MONDO:0100100, OMIM 602771.

Allele frequency attached by ClinVar (database versions not stated): gnomAD exomes below 0.00001; gnomAD 0.00001; TOPMed 0.00001.

Submission:

Labcorp Genetics (formerly Invitae), Labcorp
Classification: Pathogenic for Eichsfeld type congenital muscular dystrophy. Last evaluated: 2018-08-12. Review status: criteria provided, single submitter. Criteria: Invitae Variant Classification Sherloc (09022015). Collection method: clinical testing. Allele origin: germline.
Comment: For these reasons, this variant has been classified as Pathogenic. Loss-of-function variants in SELENON are known to be pathogenic (PMID: 21131290, 21670436). Algorithms developed to predict the effect of sequence changes on RNA splicing suggest that this variant may disrupt the consensus splice site, but this prediction has not been confirmed by published transcriptional studies. This variant has not been reported in the literature in individuals with SELENON-related disease. This variant is not present in population databases (ExAC no frequency). This sequence change creates a premature translational stop signal (p.?) in the SELENON gene. It is expected to result in an absent or disrupted protein product.

Literature cited by the submitters: PubMed 21131290; PubMed 21670436.

NM_206926.2(SELENON):c.300del (p.Ser102fs)

Gene: SELENON (selenoprotein N; plus strand). Cytogenetic location: 1p36.11.
Variant type: Deletion.
Coding change: c.300del on transcript NM_206926.2 (MANE Select); coding-DNA position 300, one base deleted (A; older notation c.300delA).
Protein change: p.Ser102fs; shifts the reading frame from serine 102.
Molecular consequence: frameshift variant.
Genome position (GRCh38, 1-based): chr1:25,801,159, A deleted. VCF-style (leftmost placement, unchanged base first): chr1-25801158-CA-C. GRCh37 (hg19) VCF-style: chr1-26127649-CA-C.
Other names: c.300del, p.Ser102fs (NM_020451.3); short protein forms S102fs.
Identifiers: ClinVar variation 662908 (VCV000662908.7), dbSNP rs1269951927, ClinGen allele CA734435263.